The following is an entry in ClinVar:

NM_000186.4(CFH):c.1520-1G>A

Gene: CFH (complement factor H; plus strand). Cytogenetic location: 1q31.3.
Variant type: single nucleotide variant.
Coding change: c.1520-1G>A on transcript NM_000186.4 (MANE Select); the canonical splice acceptor site of the intron before coding-DNA position 1520, G replaced by A.
Molecular consequence: splice acceptor variant.
Genome position (GRCh38, 1-based): chr1:196,715,592, G>A. VCF-style: chr1-196715592-G-A. GRCh37 (hg19) VCF-style: chr1-196684722-G-A.
Identifiers: ClinVar variation 1493683 (VCV001493683.7), dbSNP rs2149103688, ClinGen allele CA343982674.

ClinVar aggregate classification (germline): Pathogenic/Likely pathogenic. Review status: criteria provided, multiple submitters, no conflicts (2 of 4 stars). 2 submissions from 2 submitters: Pathogenic (1); Likely pathogenic (1). Last evaluated 2025-10-02.

Conditions:
Atypical hemolytic-uremic syndrome. Identifiers: Orphanet 2134, MedGen C2931788, MONDO:0016244.

Submissions (2):

Genomenon, Inc
Classification: Pathogenic for Atypical hemolytic-uremic syndrome. Last evaluated: 2025-10-02. Review status: criteria provided, single submitter. Criteria: Genomenon Sequence Variant Interpretation Standards - Updated. Collection method: curation. Allele origin: germline. Affected: yes.
Comment: CFH c.1520-1G>A is a canonical splice variant located in the acceptor splice region of intron 10. It is predicted to affect mRNA splicing, leading to a deleterious effect on the CFH protein. This variant has been observed in at least one proband affected with atypical hemolytic-uremic syndrome (PMID:34631043;28295239). It is absent or not present at a significant frequency in gnomAD. In conclusion, we classify CFH c.1520-1G>A as a pathogenic variant.

Labcorp Genetics (formerly Invitae), Labcorp
Classification: Likely pathogenic. Last evaluated: 2021-11-25. Review status: criteria provided, single submitter. Criteria: Invitae Variant Classification Sherloc (09022015). Collection method: clinical testing. Allele origin: germline.
Comment: In summary, the currently available evidence indicates that the variant is pathogenic, but additional data are needed to prove that conclusively. Therefore, this variant has been classified as Likely Pathogenic. Algorithms developed to predict the effect of sequence changes on RNA splicing suggest that this variant may disrupt the consensus splice site. This variant has not been reported in the literature in individuals affected with CFH-related conditions. This variant is not present in population databases (gnomAD no frequency). This sequence change affects an acceptor splice site in intron 10 of the CFH gene. It is expected to disrupt RNA splicing. Variants that disrupt the donor or acceptor splice site typically lead to a loss of protein function (PMID: 16199547), and loss-of-function variants in CFH are known to be pathogenic (PMID: 11170896, 14978182, 16621965, 23870792, 25188723).

Literature cited by the submitters: PubMed 34631043 (cited by Genomenon, Inc); PubMed 28295239 (cited by Genomenon, Inc); PubMed 16199547 (cited by Labcorp Genetics (formerly Invitae), Labcorp); PubMed 11170896 (cited by Labcorp Genetics (formerly Invitae), Labcorp); PubMed 14978182 (cited by Labcorp Genetics (formerly Invitae), Labcorp); PubMed 16621965 (cited by Labcorp Genetics (formerly Invitae), Labcorp); PubMed 23870792 (cited by Labcorp Genetics (formerly Invitae), Labcorp); PubMed 25188723 (cited by Labcorp Genetics (formerly Invitae), Labcorp).